The following is an entry in ClinVar:

NM_001146227.3(RPS20):c.334-10T>C

Gene: RPS20 (ribosomal protein S20; minus strand). Cytogenetic location: 8q12.1.
Variant type: single nucleotide variant.
Coding change: c.334-10T>C on transcript NM_001146227.3; 10 bases into the intron before coding-DNA position 334, T replaced by C.
Molecular consequence: intron variant.
Genome position (GRCh38, 1-based): chr8:56,069,843, A>G on the plus strand (T>C on the coding strand, the complement: RPS20 is on the minus strand). VCF-style: chr8-56069843-A-G. GRCh37 (hg19) VCF-style: chr8-56982402-A-G.
Identifiers: ClinVar variation 5042310 (VCV005042310.1).
Genomic context (GRCh38, chr8:56,069,843, plus strand): 5'-GTACTGCTGGCCCTCTGTATCCATGGGTTCTGCATCTGTAGATTCGATCAACTGTAGATC[A>G]AAAGTATTCAGAAAAAAAATTGTCTCTACTGCACATGTATAGACATTCTTTTTCTTGTCA-3'

ClinVar aggregate classification (germline): Likely benign (1 of 4 stars; one submission).

Conditions:
Familial colorectal cancer type X. Identifiers: Orphanet 440437, MedGen C3896578, MONDO:0018604.

gnomAD v4.1: 2 of 1,403,566 alleles (0.00014%); highest among the groups gnomAD compares: African/African-American, 0.0014%; no homozygotes.

Submission:

Myriad Genetics, Inc.
Classification: Likely benign for Familial colorectal cancer type X. Last evaluated: 2026-07-31. Review status: criteria provided, single submitter. Criteria: Myriad Autosomal Dominant, Autosomal Recessive and X-Linked Classification Criteria (2023). Collection method: clinical testing. Allele origin: unknown.
Comment: This variant is considered likely benign. This variant is intronic and is not expected to impact mRNA splicing.